The following is an entry in ClinVar:

NM_130384.3(ATRIP):c.1225C>T (p.Pro409Ser)

Genes: ATRIP (ATR interacting protein; plus strand), ATRIP-TREX1 (ATRIP-TREX1 readthrough; plus strand). Cytogenetic location: 3p21.31.
Variant type: single nucleotide variant.
Coding change: c.1225C>T on transcript NM_130384.3 (MANE Select); coding-DNA position 1225, C replaced by T.
Protein change: p.Pro409Ser; replaces proline 409 with serine.
Molecular consequence: missense variant. On other transcripts: non-coding transcript variant (1).
Genome position (GRCh38, 1-based): chr3:48,460,279, C>T. VCF-style: chr3-48460279-C-T. GRCh37 (hg19) VCF-style: chr3-48501678-C-T.
Other names: c.844C>T, p.Pro282Ser (NM_001271022.2); c.946C>T, p.Pro316Ser (NM_001271023.2); c.1225C>T, p.Pro409Ser (NM_032166.4); short protein forms P409S, P282S, P316S.
Identifiers: ClinVar variation 3132115 (VCV003132115.2), dbSNP rs2040066309, ClinGen allele CA352723102.

ClinVar aggregate classification (germline): Uncertain significance (1 of 4 stars; one submission).

Allele frequency attached by ClinVar (database versions not stated): gnomAD exomes below 0.00001; TOPMed 0.00003; gnomAD 0.00004.
gnomAD v4.1: 7 of 1,613,954 alleles (0.00043%); highest among the groups gnomAD compares: Admixed American, 0.01%; no homozygotes.

Submission:

Ambry Genetics
Classification: Uncertain significance. Last evaluated: 2025-01-05. Review status: criteria provided, single submitter. Criteria: Ambry Variant Classification Scheme 2023. Collection method: clinical testing. Allele origin: germline.
Comment: The p.P409S variant (also known as c.1225C>T), located in coding exon 8 of the ATRIP gene, results from a C to T substitution at nucleotide position 1225. The proline at codon 409 is replaced by serine, an amino acid with similar properties. This amino acid position is conserved. In addition, this alteration is predicted to be tolerated by in silico analysis. Based on the available evidence, the clinical significance of this variant remains unclear.